The following is an entry in ClinVar:

ClinVar aggregate classification (germline): Uncertain significance (1 of 4 stars; one submission).

Submission:

GeneDx
Classification: Uncertain significance. Last evaluated: 2023-01-04. Review status: criteria provided, single submitter. Criteria: GeneDx Variant Classification Process June 2021. Collection method: clinical testing. Allele origin: germline. Affected: yes.
Comment: Not observed at significant frequency in large population cohorts (gnomAD); In silico analysis supports that this missense variant has a deleterious effect on protein structure/function; Has not been previously published as pathogenic or benign to our knowledge

NM_017617.5(NOTCH1):c.125G>T (p.Gly42Val)

Gene: NOTCH1 (notch receptor 1; minus strand). Cytogenetic location: 9q34.3.
Variant type: single nucleotide variant.
Coding change: c.125G>T on transcript NM_017617.5 (MANE Select); coding-DNA position 125, G replaced by T.
Protein change: p.Gly42Val; replaces glycine 42 with valine.
Molecular consequence: missense variant.
Genome position (GRCh38, 1-based): chr9:136,544,039, C>A on the plus strand (G>T on the coding strand, the complement: NOTCH1 is on the minus strand). VCF-style: chr9-136544039-C-A. GRCh37 (hg19) VCF-style: chr9-139438491-C-A.
Other names: short protein forms G42V.
Identifiers: ClinVar variation 2571851 (VCV002571851.1), dbSNP rs754666783, ClinGen allele CA375578785.